The following is an entry in ClinVar:

NM_005883.3(APC2):c.2521GCCAAG[4] (p.Lys846_Leu847insAlaLys)

Gene: APC2 (APC regulator of Wnt signaling pathway 2; plus strand). Cytogenetic location: 19p13.3.
Variant type: Microsatellite.
Coding change: c.2521GCCAAG[4] on transcript NM_005883.3 (MANE Select); four copies in a row of the 6-base unit GCCAAG starting at c.2521; the reference has three copies in a row; one copy, 6 bases duplicated.
Protein change: p.Lys846_Leu847insAlaLys.
Molecular consequence: inframe insertion.
Genome position (GRCh38, 1-based): chr19:1,465,834-1,465,839, GCCAAG duplicated; duplicating any 6 consecutive bases within chr19:1,465,821-1,465,839 gives the same sequence; the position shown is the placement nearest the transcript's 3' end. VCF-style (leftmost placement, unchanged base first): chr19-1465820-C-CGGCCAA. GRCh37 (hg19) VCF-style: chr19-1465819-C-CGGCCAA.
Other names: c.2518GCCAAG[4], p.Lys845_Leu846insAlaLys (NM_001351273.1).
Identifiers: ClinVar variation 2045101 (VCV002045101.3), dbSNP rs750672569, ClinGen allele CA9045462.

ClinVar aggregate classification (germline): Conflicting classifications of pathogenicity. Review status: criteria provided, conflicting classifications (1 of 4 stars). 3 submissions from 3 submitters: Uncertain significance (2); Likely benign (1). Last evaluated 2026-08-01.

Submissions (3):

CeGaT Center for Human Genetics Tuebingen
Classification: Likely benign. Last evaluated: 2026-08-01. Review status: criteria provided, single submitter. Criteria: CeGaT Center For Human Genetics Tuebingen Variant Classification Criteria Version 2. Collection method: clinical testing. Allele origin: germline. Affected: yes. Observed: 1 variant allele.
Comment: APC2: PM4, PM2:Supporting, BS2

Blueprint Genetics
Classification: Uncertain significance. Last evaluated: 2024-11-28. Review status: criteria provided, single submitter. Criteria: ACMG Guidelines, 2015. Collection method: clinical testing. Allele origin: germline.

Labcorp Genetics (formerly Invitae), Labcorp
Classification: Uncertain significance. Last evaluated: 2022-05-09. Review status: criteria provided, single submitter. Criteria: Invitae Variant Classification Sherloc (09022015). Collection method: clinical testing. Allele origin: germline.
Comment: This variant, c.2533_2538dup, results in the insertion of 2 amino acid(s) of the APC2 protein (p.Ala845_Lys846dup), but otherwise preserves the integrity of the reading frame. This variant is present in population databases (rs750672569, gnomAD 0.07%). This variant has not been reported in the literature in individuals affected with APC2-related conditions. Experimental studies and prediction algorithms are not available or were not evaluated, and the functional significance of this variant is currently unknown. In summary, the available evidence is currently insufficient to determine the role of this variant in disease. Therefore, it has been classified as a Variant of Uncertain Significance.